The following is an entry in ClinVar:

NM_001005361.3(DNM2):c.1423-1G>T

Gene: DNM2 (dynamin 2; plus strand). Cytogenetic location: 19p13.2.
Variant type: single nucleotide variant.
Coding change: c.1423-1G>T on transcript NM_001005361.3 (MANE Select); the canonical splice acceptor site of the intron before coding-DNA position 1423, G replaced by T.
Molecular consequence: splice acceptor variant.
Genome position (GRCh38, 1-based): chr19:10,802,287, G>T. VCF-style: chr19-10802287-G-T. GRCh37 (hg19) VCF-style: chr19-10912963-G-T.
Other names: c.1423-1G>T (NM_001005360.3, NM_001190716.2, NM_004945.4 and 1 more transcripts).
Identifiers: ClinVar variation 1038771 (VCV001038771.7), dbSNP rs2072180672, ClinGen allele CA404049698.

ClinVar aggregate classification (germline): Uncertain significance (1 of 4 stars; one submission).

Conditions:
Charcot-Marie-Tooth disease dominant intermediate B (CMTDIB). Also called: CHARCOT-MARIE-TOOTH NEUROPATHY, DOMINANT INTERMEDIATE B; Charcot-Marie-Tooth disease dominant intermediate 1; CMT DI1; Charcot-Marie-Tooth disease dominant intermediate I. Identifiers: Orphanet 100044, Orphanet 228179, MedGen C1847902, MONDO:0011674, OMIM 606482.

Submission:

Labcorp Genetics (formerly Invitae), Labcorp
Classification: Uncertain significance for Charcot-Marie-Tooth disease dominant intermediate B. Last evaluated: 2022-07-26. Review status: criteria provided, single submitter. Criteria: Invitae Variant Classification Sherloc (09022015). Collection method: clinical testing. Allele origin: germline.
Comment: This sequence change affects an acceptor splice site in intron 11 of the DNM2 gene. It is expected to disrupt RNA splicing. Variants that disrupt the donor or acceptor splice site typically lead to a loss of protein function (PMID: 16199547), however the current clinical and genetic evidence is not sufficient to establish whether loss-of-function variants in DNM2 cause disease. This variant is not present in population databases (gnomAD no frequency). This variant has not been reported in the literature in individuals affected with DNM2-related conditions. ClinVar contains an entry for this variant (Variation ID: 1038771). Algorithms developed to predict the effect of sequence changes on RNA splicing suggest that this variant may disrupt the consensus splice site. In summary, the available evidence is currently insufficient to determine the role of this variant in disease. Therefore, it has been classified as a Variant of Uncertain Significance.

Literature cited by the submitters: PubMed 16199547.